The following is an entry in ClinVar:

NM_007294.4(BRCA1):c.4422T>C (p.Ala1474=)

Gene: BRCA1 (BRCA1 DNA repair associated; minus strand). Cytogenetic location: 17q21.31.
Variant type: single nucleotide variant.
Coding change: c.4422T>C on transcript NM_007294.4 (MANE Select); coding-DNA position 4422, T replaced by C.
Protein change: p.Ala1474=; no amino-acid change (alanine 1474 retained).
Molecular consequence: synonymous variant. On other transcripts: intron variant (3).
Genome position (GRCh38, 1-based): chr17:43,076,550, A>G on the plus strand (T>C on the coding strand, the complement: BRCA1 is on the minus strand). VCF-style: chr17-43076550-A-G. GRCh37 (hg19) VCF-style: chr17-41228567-A-G.
Other names: c.4209T>C, p.Ala1403= (NM_001407571.1, NM_001407894.1, NM_001407895.1 and 12 more transcripts); c.4488T>C, p.Ala1496= (NM_001407581.1, NM_001407582.1); c.4485T>C, p.Ala1495= (NM_001407583.1, NM_001407585.1, NM_001407587.1 and 1 more transcripts); c.4482T>C, p.Ala1494= (NM_001407590.1, NM_001407591.1); c.4422T>C, p.Ala1474= (NM_001407593.1, NM_001407594.1, NM_001407596.1 and 8 more transcripts); c.4419T>C, p.Ala1473= (NM_001407610.1, NM_001407611.1, NM_001407612.1 and 17 more transcripts); c.4416T>C, p.Ala1472= (NM_001407627.1, NM_001407628.1, NM_001407629.1 and 14 more transcripts); c.4413T>C, p.Ala1471= (NM_001407644.1, NM_001407645.1); and 71 more.
Identifiers: ClinVar variation 185731 (VCV000185731.26), dbSNP rs756281673, ClinGen allele CA002848.

ClinVar aggregate classification (germline): Likely benign. Review status: reviewed by expert panel (3 of 4 stars). 9 submissions from 9 submitters: Likely benign (1). 8 of the submissions do not count toward it. Last evaluated 2017-06-29.

Conditions:
Hereditary breast ovarian cancer syndrome. Also called: Hereditary breast and ovarian cancer syndrome; Hereditary breast and ovarian cancer syndrome (HBOC); BRCA1- and BRCA2-Associated Hereditary Breast and Ovarian Cancer; Breast and ovarian cancer; Hereditary breast and ovarian cancer; Hereditary breast and/or ovarian cancer syndrome. Identifiers: Orphanet 145, MedGen C0677776, MeSH D061325, MONDO:0003582. Disease mechanism: loss of function.
Hereditary cancer-predisposing syndrome. Also called: Hereditary Cancer Syndrome; Hereditary neoplastic syndrome; Tumor predisposition; Neoplastic Syndromes, Hereditary. Identifiers: Orphanet 140162, MedGen C0027672, MeSH D009386, MONDO:0015356.
Breast-ovarian cancer, familial, susceptibility to, 1 (BROVCA1). Also called: OVARIAN CANCER, SUSCEPTIBILITY TO; BRCA1 Hereditary Breast and Ovarian Cancer. Identifiers: Orphanet 145, MedGen C2676676, MONDO:0011450, OMIM 604370. Disease mechanism: loss of function.

Allele frequency attached by ClinVar (database versions not stated): TOPMed below 0.00001; gnomAD 0.00001; gnomAD exomes 0.00001 and 0.00002; ExAC 0.00002.
gnomAD v4.1: 12 of 1,613,494 alleles (0.00074%); highest among the groups gnomAD compares: East Asian, 0.025%; no homozygotes.

Submissions (9):

Evidence-based Network for the Interpretation of Germline Mutant Alleles (ENIGMA)
Classification: Likely benign for Breast-ovarian cancer, familial, susceptibility to, 1. Last evaluated: 2017-06-29. Review status: reviewed by expert panel. Criteria: ENIGMA BRCA1/2 Classification Criteria (2017-06-29). Collection method: curation. Allele origin: germline.
Comment: Synonymous substitution variant, with low bioinformatic likelihood to result in a splicing aberration (Splicing prior probability 0.02).

Labcorp Genetics (formerly Invitae), Labcorp
Classification: Likely benign for Hereditary breast ovarian cancer syndrome. Last evaluated: 2024-11-16. Review status: criteria provided, single submitter. Criteria: Invitae Variant Classification Sherloc (09022015). Collection method: clinical testing. Allele origin: germline. Not counted in ClinVar's aggregate classification.

All of Us Research Program, National Institutes of Health
Classification: Likely benign for Breast-ovarian cancer, familial, susceptibility to, 1. Last evaluated: 2023-05-16. Review status: criteria provided, single submitter. Criteria: ACMG Guidelines, 2015. Collection method: clinical testing. Allele origin: germline. Inheritance: Autosomal dominant inheritance. Observed: 1 variant allele, 1 heterozygote. Not counted in ClinVar's aggregate classification.
Comment: This study involves interpretation of variants in research participants for the purpose of population health screening. Participant phenotype was not available at the time of variant classification. Additional details can be found in publication PMID: 35346344, PMCID: PMC8962531

Blueprint Genetics
Classification: Likely benign. Last evaluated: 2023-05-09. Review status: criteria provided, single submitter. Criteria: ACMG Guidelines, 2015. Collection method: clinical testing. Allele origin: germline. Not counted in ClinVar's aggregate classification.

GeneDx
Classification: Likely benign. Last evaluated: 2017-11-22. Review status: criteria provided, single submitter. Criteria: GeneDx Variant Classification (06012015). Collection method: clinical testing. Allele origin: germline. Affected: yes. Not counted in ClinVar's aggregate classification.
Comment: This variant is considered likely benign or benign based on one or more of the following criteria: it is a conservative change, it occurs at a poorly conserved position in the protein, it is predicted to be benign by multiple in silico algorithms, and/or has population frequency not consistent with disease.

Color Diagnostics, LLC DBA Color Health
Classification: Likely benign for Hereditary cancer-predisposing syndrome. Last evaluated: 2016-11-16. Review status: criteria provided, single submitter. Criteria: ACMG Guidelines, 2015. Collection method: clinical testing. Allele origin: germline. Not counted in ClinVar's aggregate classification.

Ambry Genetics
Classification: Likely benign for Hereditary cancer-predisposing syndrome. Last evaluated: 2014-08-04. Review status: criteria provided, single submitter. Criteria: Ambry Variant Classification Scheme 2023. Collection method: clinical testing. Allele origin: germline. Not counted in ClinVar's aggregate classification.

Counsyl
Classification: Likely benign for Breast-ovarian cancer, familial, susceptibility to, 1. Last evaluated: 2016-07-25. Review status: no assertion criteria provided. Collection method: clinical testing. Allele origin: unknown. Not counted in ClinVar's aggregate classification.

Department of Pathology and Laboratory Medicine, Sinai Health System
Classification: Uncertain significance. Review status: no assertion criteria provided. Collection method: clinical testing. Allele origin: unknown. Affected: yes. Observed: 1 variant allele. Study: The Canadian Open Genetics Repository (COGR). Not counted in ClinVar's aggregate classification.